The following is an entry in ClinVar:

NM_033028.5(BBS4):c.1116T>C (p.Pro372=)

Gene: BBS4 (Bardet-Biedl syndrome 4; plus strand). Cytogenetic location: 15q24.1.
Variant type: single nucleotide variant.
Coding change: c.1116T>C on transcript NM_033028.5 (MANE Select); coding-DNA position 1116, T replaced by C.
Protein change: p.Pro372=; no amino-acid change (proline 372 retained).
Molecular consequence: synonymous variant. On other transcripts: non-coding transcript variant (2).
Genome position (GRCh38, 1-based): chr15:72,735,834, T>C. VCF-style: chr15-72735834-T-C. GRCh37 (hg19) VCF-style: chr15-73028175-T-C.
Other names: c.600T>C, p.Pro200= (NM_001252678.2); c.1047T>C, p.Pro349= (NM_001320665.2).
Identifiers: ClinVar variation 4987732 (VCV004987732.1).

ClinVar aggregate classification (germline): Likely benign (1 of 4 stars; one submission).

Conditions:
BBS4-related disorder. Also called: BBS4-related condition.

Submission:

PreventionGenetics, part of Exact Sciences
Classification: Likely benign for BBS4-related condition. Last evaluated: 2024-10-31. Review status: criteria provided, single submitter. Criteria: ACMG Guidelines, 2015. Collection method: clinical testing. Allele origin: germline.
Comment: This variant is classified as likely benign based on ACMG/AMP sequence variant interpretation guidelines (Richards et al. 2015 PMID: 25741868, with internal and published modifications).